The following is an entry in ClinVar:

NM_206933.4(USH2A):c.4790A>T (p.Asp1597Val)

Gene: USH2A (usherin; minus strand). Cytogenetic location: 1q41.
Variant type: single nucleotide variant.
Coding change: c.4790A>T on transcript NM_206933.4 (MANE Select); coding-DNA position 4790, A replaced by T.
Protein change: p.Asp1597Val; replaces aspartic acid 1597 with valine.
Molecular consequence: missense variant.
Genome position (GRCh38, 1-based): chr1:216,089,108, T>A on the plus strand (A>T on the coding strand, the complement: USH2A is on the minus strand). VCF-style: chr1-216089108-T-A. GRCh37 (hg19) VCF-style: chr1-216262450-T-A.
Other names: short protein forms D1597V.
Identifiers: ClinVar variation 1989793 (VCV001989793.4), dbSNP rs951686140, ClinGen allele CA37449195.
Genomic context (GRCh38, chr1:216,089,108, plus strand): 5'-GCCTGATGCCTAATAGCAATTATTTCATGCCATTTTCCATCACTATATTGTTTGCCATGA[T>A]CATTAGTTGTAGTTACTTCCACTGGTGACCCCTTAAGGGAATGAATGAATAAATAAATGT-3'
Protein context (NP_996816.3, residues 1587-1607): GSPVEVTTTN[Asp1597Val]HGKQYSDGKW

ClinVar aggregate classification (germline): Uncertain significance (1 of 4 stars; one submission).

Submission:

Labcorp Genetics (formerly Invitae), Labcorp
Classification: Uncertain significance. Last evaluated: 2023-07-10. Review status: criteria provided, single submitter. Criteria: Invitae Variant Classification Sherloc (09022015). Collection method: clinical testing. Allele origin: germline.
Comment: Advanced modeling of protein sequence and biophysical properties (such as structural, functional, and spatial information, amino acid conservation, physicochemical variation, residue mobility, and thermodynamic stability) performed at Invitae indicates that this missense variant is expected to disrupt USH2A protein function. ClinVar contains an entry for this variant (Variation ID: 1989793). This missense change has been observed in individual(s) with retinitis pigmentosa (Invitae). This variant is not present in population databases (gnomAD no frequency). This sequence change replaces aspartic acid, which is acidic and polar, with valine, which is neutral and non-polar, at codon 1597 of the USH2A protein (p.Asp1597Val). In summary, the available evidence is currently insufficient to determine the role of this variant in disease. Therefore, it has been classified as a Variant of Uncertain Significance.